The following is an entry in ClinVar:

NM_182493.3(MYLK3):c.2348G>A (p.Arg783His)

Gene: MYLK3 (myosin light chain kinase 3; minus strand). Cytogenetic location: 16q11.2.
Variant type: single nucleotide variant.
Coding change: c.2348G>A on transcript NM_182493.3 (MANE Select); coding-DNA position 2348, G replaced by A.
Protein change: p.Arg783His; replaces arginine 783 with histidine.
Molecular consequence: missense variant.
Genome position (GRCh38, 1-based): chr16:46,709,591, C>T on the plus strand (G>A on the coding strand, the complement: MYLK3 is on the minus strand). VCF-style: chr16-46709591-C-T. GRCh37 (hg19) VCF-style: chr16-46743503-C-T.
Other names: c.1325G>A, p.Arg442His (NM_001308301.1); c.2348G>A (NM_182493.2); short protein forms R442H, R783H.
Identifiers: ClinVar variation 1523596 (VCV001523596.7), dbSNP rs780099005, ClinGen allele CA8037617.

ClinVar aggregate classification (germline): Uncertain significance. Review status: criteria provided, multiple submitters, no conflicts (2 of 4 stars). 2 submissions from 2 submitters: Uncertain significance (2). Last evaluated 2025-12-17.

Allele frequency attached by ClinVar (database versions not stated): gnomAD exomes 0.00002 and 0.00007; TOPMed 0.00002; gnomAD 0.00003; ExAC 0.00008.
gnomAD v4.1: 41 of 1,614,008 alleles (0.0025%); highest among the groups gnomAD compares: East Asian, 0.027%; no homozygotes.

Submissions (2):

Labcorp Genetics (formerly Invitae), Labcorp
Classification: Uncertain significance. Last evaluated: 2025-12-17. Review status: criteria provided, single submitter. Criteria: Invitae Variant Classification Sherloc (09022015). Collection method: clinical testing. Allele origin: germline.
Comment: This sequence change replaces arginine, which is basic and polar, with histidine, which is basic and polar, at codon 783 of the MYLK3 protein (p.Arg783His). This variant is present in population databases (rs780099005, gnomAD 0.05%), and has an allele count higher than expected for a pathogenic variant. This variant has not been reported in the literature in individuals affected with MYLK3-related conditions. ClinVar contains an entry for this variant (Variation ID: 1523596). An algorithm developed to predict the effect of missense changes on protein structure and function outputs the following: PolyPhen-2: "Benign". The histidine amino acid residue is found in multiple mammalian species, which suggests that this missense change does not adversely affect protein function. In summary, the available evidence is currently insufficient to determine the role of this variant in disease. Therefore, it has been classified as a Variant of Uncertain Significance.

Ambry Genetics
Classification: Uncertain significance. Last evaluated: 2023-03-24. Review status: criteria provided, single submitter. Criteria: Ambry Variant Classification Scheme 2023. Collection method: clinical testing. Allele origin: germline.